The following is an entry in ClinVar:

ClinVar aggregate classification (germline): Uncertain significance. Review status: criteria provided, multiple submitters, no conflicts (2 of 4 stars). 2 submissions from 2 submitters: Uncertain significance (2). Last evaluated 2022-08-06.

Allele frequency attached by ClinVar (database versions not stated): ExAC 0.00002.
gnomAD v4.1: 2 of 1,611,892 alleles (0.00012%); highest among the groups gnomAD compares: Non-Finnish European, 0.000085%; no homozygotes.

Submissions (2):

Labcorp Genetics (formerly Invitae), Labcorp
Classification: Uncertain significance. Last evaluated: 2022-08-06. Review status: criteria provided, single submitter. Criteria: Invitae Variant Classification Sherloc (09022015). Collection method: clinical testing. Allele origin: germline.
Comment: This variant is present in population databases (rs775843550, gnomAD 0.0009%). In summary, the available evidence is currently insufficient to determine the role of this variant in disease. Therefore, it has been classified as a Variant of Uncertain Significance. Advanced modeling of protein sequence and biophysical properties (such as structural, functional, and spatial information, amino acid conservation, physicochemical variation, residue mobility, and thermodynamic stability) performed at Invitae indicates that this missense variant is not expected to disrupt LRP5 protein function. This variant has not been reported in the literature in individuals affected with LRP5-related conditions. This sequence change replaces glutamine, which is neutral and polar, with histidine, which is basic and polar, at codon 1582 of the LRP5 protein (p.Gln1582His).

Blueprint Genetics
Classification: Uncertain significance. Last evaluated: 2018-05-15. Review status: criteria provided, single submitter. Criteria: ACMG Guidelines, 2015. Collection method: clinical testing. Allele origin: germline.

NM_002335.4(LRP5):c.4746G>C (p.Gln1582His)

Gene: LRP5 (LDL receptor related protein 5; plus strand). Cytogenetic location: 11q13.2.
Variant type: single nucleotide variant.
Coding change: c.4746G>C on transcript NM_002335.4 (MANE Select); coding-DNA position 4746, G replaced by C.
Protein change: p.Gln1582His; replaces glutamine 1582 with histidine.
Molecular consequence: missense variant.
Genome position (GRCh38, 1-based): chr11:68,448,968, G>C. VCF-style: chr11-68448968-G-C. GRCh37 (hg19) VCF-style: chr11-68216436-G-C.
Other names: c.3003G>C, p.Gln1001His (NM_001291902.2); short protein forms Q1001H, Q1582H.
Identifiers: ClinVar variation 1907006 (VCV001907006.6), dbSNP rs775843550, ClinGen allele CA6150497.